The following is an entry in ClinVar:

ClinVar aggregate classification (germline): Conflicting classifications of pathogenicity. Review status: criteria provided, conflicting classifications (1 of 4 stars). 6 submissions from 5 submitters: Uncertain significance (2); Likely benign (4). Last evaluated 2026-01-08.

Conditions:
Pierson syndrome. Also called: MICROCORIA-CONGENITAL NEPHROTIC SYNDROME. Identifiers: Orphanet 2670, MedGen C1836876, MONDO:0012184, OMIM 609049.
LAMB2-related infantile-onset nephrotic syndrome. Also called: Nephrotic Syndrome, type 5; NEPHROTIC SYNDROME, TYPE 5, WITHOUT OCULAR ABNORMALITIES; NEPHROTIC SYNDROME, TYPE 5, WITH OCULAR ABNORMALITIES. Identifiers: Orphanet 306507, MedGen C3280113, MONDO:0013621, OMIM 614199.

Allele frequency attached by ClinVar (database versions not stated): gnomAD 0.00067 and 0.00068; ExAC 0.00068; gnomAD exomes 0.00071 and 0.00114; ESP Exome Variant Server 0.00100; 1000 Genomes Project 30x 0.00031; 1000 Genomes Project 0.00040; TOPMed 0.00065.
gnomAD v4.1: 1,743 of 1,613,382 alleles (0.11%); highest among the groups gnomAD compares: Non-Finnish European, 0.13%; 1 homozygote.

Submissions (6):

Labcorp Genetics (formerly Invitae), Labcorp
Classification: Likely benign for LAMB2-related infantile-onset nephrotic syndrome; Pierson syndrome. Last evaluated: 2026-01-08. Review status: criteria provided, single submitter. Criteria: Invitae Variant Classification Sherloc (09022015). Collection method: clinical testing. Allele origin: germline.

Mayo Clinic Laboratories, Mayo Clinic
Classification: Likely benign. Last evaluated: 2025-03-21. Review status: criteria provided, single submitter. Criteria: ACMG Guidelines, 2015. Collection method: clinical testing. Allele origin: germline. Observed: 1 variant allele.
Comment: BS1, BP4, BP7

Blueprint Genetics
Classification: Likely benign. Last evaluated: 2024-11-05. Review status: criteria provided, single submitter. Criteria: ACMG Guidelines, 2015. Collection method: clinical testing. Allele origin: germline.

CeGaT Center for Human Genetics Tuebingen
Classification: Likely benign. Last evaluated: 2023-11-01. Review status: criteria provided, single submitter. Criteria: CeGaT Center For Human Genetics Tuebingen Variant Classification Criteria Version 2. Collection method: clinical testing. Allele origin: germline. Affected: yes. Observed: 2 variant alleles.
Comment: LAMB2: BP4, BP7

Illumina Laboratory Services, Illumina
Classification: Uncertain significance for Pierson syndrome. Last evaluated: 2018-01-13. Review status: criteria provided, single submitter. Criteria: ICSL Variant Classification Criteria 13 December 2019. Collection method: clinical testing. Allele origin: germline.

Illumina Laboratory Services, Illumina
Classification: Uncertain significance for LAMB2-related infantile-onset nephrotic syndrome. Last evaluated: 2018-01-13. Review status: criteria provided, single submitter. Criteria: ICSL Variant Classification Criteria 13 December 2019. Collection method: clinical testing. Allele origin: germline.

NM_002292.4(LAMB2):c.3582C>T (p.Phe1194=)

Gene: LAMB2 (laminin subunit beta 2; minus strand). Cytogenetic location: 3p21.31.
Variant type: single nucleotide variant.
Coding change: c.3582C>T on transcript NM_002292.4 (MANE Select); coding-DNA position 3582, C replaced by T.
Protein change: p.Phe1194=; no amino-acid change (phenylalanine 1194 retained).
Molecular consequence: synonymous variant.
Genome position (GRCh38, 1-based): chr3:49,123,943, G>A on the plus strand (C>T on the coding strand, the complement: LAMB2 is on the minus strand). VCF-style: chr3-49123943-G-A. GRCh37 (hg19) VCF-style: chr3-49161376-G-A.
Other names: p.Phe1194=.
Identifiers: ClinVar variation 345986 (VCV000345986.39), dbSNP rs138540017, ClinGen allele CA2394010.
Genomic context (GRCh38, chr3:49,123,943, plus strand): 5'-CCGCTGCTCTAGGCGCTGTGTACGGGCTGCCAAGTCCTGCACCACTCGGTCCCAATCCCC[G>A]AAGCATGCATGGCAGGGATGGCAGGCAGGAAAGATTCCTGAGAAGCCACGGGCACACTGG-3'
Protein context (NP_002283.3, residues 1184-1204): FPACHPCHAC[Phe1194=]GDWDRVVQDL